The following is an entry in ClinVar:

ClinVar aggregate classification (germline): Uncertain significance. Review status: criteria provided, multiple submitters, no conflicts (2 of 4 stars). 2 submissions from 2 submitters: Uncertain significance (2). Last evaluated 2025-08-03.

Conditions:
CDH23-related disorder. Also called: CDH23-related disorders; CDH23-related condition.

Allele frequency attached by ClinVar (database versions not stated): gnomAD exomes 0.00002; ExAC 0.00008; TOPMed 0.00008; gnomAD 0.00010; 1000 Genomes Project 0.00060; 1000 Genomes Project 30x 0.00062.
gnomAD v4.1: 49 of 1,613,938 alleles (0.003%); highest among the groups gnomAD compares: African/African-American, 0.02%; no homozygotes.

Submissions (2):

PreventionGenetics, part of Exact Sciences
Classification: Uncertain significance for CDH23-related condition. Last evaluated: 2025-08-03. Review status: criteria provided, single submitter. Criteria: ACMG Guidelines, 2015. Collection method: clinical testing. Allele origin: germline.
Comment: The CDH23 c.1054G>A variant is predicted to result in the amino acid substitution p.Glu352Lys. To our knowledge, this variant has not been reported in the literature. This variant is reported in 0.021% of alleles in individuals of African descent in gnomAD. At this time, the clinical significance of this variant is uncertain due to the absence of conclusive functional and genetic evidence.

Labcorp Genetics (formerly Invitae), Labcorp
Classification: Uncertain significance. Last evaluated: 2022-08-23. Review status: criteria provided, single submitter. Criteria: Invitae Variant Classification Sherloc (09022015). Collection method: clinical testing. Allele origin: germline.
Comment: This sequence change replaces glutamic acid, which is acidic and polar, with lysine, which is basic and polar, at codon 352 of the CDH23 protein (p.Glu352Lys). This variant is present in population databases (rs548207248, gnomAD 0.02%). This variant has not been reported in the literature in individuals affected with CDH23-related conditions. Algorithms developed to predict the effect of missense changes on protein structure and function are either unavailable or do not agree on the potential impact of this missense change (SIFT: "Deleterious"; PolyPhen-2: "Not Available"; Align-GVGD: "Class C55"). In summary, the available evidence is currently insufficient to determine the role of this variant in disease. Therefore, it has been classified as a Variant of Uncertain Significance.

NM_022124.6(CDH23):c.1054G>A (p.Glu352Lys)

Gene: CDH23 (cadherin related 23; plus strand). Cytogenetic location: 10q22.1.
Variant type: single nucleotide variant.
Coding change: c.1054G>A on transcript NM_022124.6 (MANE Select); coding-DNA position 1054, G replaced by A.
Protein change: p.Glu352Lys; replaces glutamic acid 352 with lysine.
Molecular consequence: missense variant.
Genome position (GRCh38, 1-based): chr10:71,617,313, G>A. VCF-style: chr10-71617313-G-A. GRCh37 (hg19) VCF-style: chr10-73377070-G-A.
Other names: c.1054G>A, p.Glu352Lys (NM_001171930.2, NM_001171931.2, NM_001171932.2 and 1 more transcripts); c.1054G>A (NM_022124.5); short protein forms E352K.
Identifiers: ClinVar variation 2168093 (VCV002168093.2), dbSNP rs548207248, ClinGen allele CA5543628.